The following is an entry in ClinVar:

NM_001376571.1(MADD):c.3229C>G (p.Arg1077Gly)

Gene: MADD (MAP kinase activating death domain; plus strand). Cytogenetic location: 11p11.2.
Variant type: single nucleotide variant.
Coding change: c.3229C>G on transcript NM_001376571.1 (MANE Select); coding-DNA position 3229, C replaced by G.
Protein change: p.Arg1077Gly; replaces arginine 1077 with glycine.
Molecular consequence: missense variant. On other transcripts: non-coding transcript variant (7).
Genome position (GRCh38, 1-based): chr11:47,290,684, C>G. VCF-style: chr11-47290684-C-G. GRCh37 (hg19) VCF-style: chr11-47312235-C-G.
Other names: c.3040C>G, p.Arg1014Gly (NM_001135943.2, NM_001135944.2, NM_001376585.1 and 21 more transcripts); c.3229C>G, p.Arg1077Gly (NM_001376572.1, NM_001376573.1, NM_001376574.1 and 11 more transcripts); c.3169C>G, p.Arg1057Gly (NM_001376575.1, NM_001376576.1, NM_001376577.1 and 12 more transcripts); c.3142C>G, p.Arg1048Gly (NM_001376578.1, NM_001376631.1); c.3100C>G, p.Arg1034Gly (NM_001376581.1, NM_001376582.1, NM_001376586.1 and 14 more transcripts); c.3067C>G, p.Arg1023Gly (NM_001376583.1, NM_001376611.1, NM_001376613.1 and 1 more transcripts); c.3247C>G, p.Arg1083Gly (NM_001376596.1); c.3076C>G, p.Arg1026Gly (NM_001376602.1); and 9 more; short protein forms R1005G, R1009G, R1014G, R1023G, R1025G, R1026G, R1034G, R1048G.
Identifiers: ClinVar variation 2576705 (VCV002576705.5), dbSNP rs369513528, ClinGen allele CA5974709.

ClinVar aggregate classification (germline): Uncertain significance. Review status: criteria provided, multiple submitters, no conflicts (2 of 4 stars). 2 submissions from 2 submitters: Uncertain significance (2). Last evaluated 2026-01-18.

Conditions:
Inborn genetic diseases. Identifiers: MedGen C0950123, MeSH D030342.

gnomAD v4.1: 31 of 1,613,950 alleles (0.0019%); highest among the groups gnomAD compares: East Asian, 0.025%; no homozygotes.

Submissions (2):

GeneDx
Classification: Uncertain significance. Last evaluated: 2026-01-18. Review status: criteria provided, single submitter. Criteria: GeneDx Variant Classification Process June 2021. Collection method: clinical testing. Allele origin: germline.
Comment: Has not been previously published as pathogenic or benign to our knowledge; In silico analysis supports that this missense variant has a deleterious effect on protein structure/function

Ambry Genetics
Classification: Uncertain significance for Inborn genetic diseases. Last evaluated: 2025-08-21. Review status: criteria provided, single submitter. Criteria: Ambry Variant Classification Scheme 2023. Collection method: clinical testing. Allele origin: germline.